The following is an entry in ClinVar:

NM_000057.4(BLM):c.3401G>A (p.Gly1134Glu)

Gene: BLM (BLM RecQ like helicase; plus strand). Cytogenetic location: 15q26.1.
Variant type: single nucleotide variant.
Coding change: c.3401G>A on transcript NM_000057.4 (MANE Select); coding-DNA position 3401, G replaced by A.
Protein change: p.Gly1134Glu; replaces glycine 1134 with glutamic acid.
Molecular consequence: missense variant. On other transcripts: intron variant (1).
Genome position (GRCh38, 1-based): chr15:90,803,563, G>A. VCF-style: chr15-90803563-G-A. GRCh37 (hg19) VCF-style: chr15-91346793-G-A.
Other names: c.3401G>A, p.Gly1134Glu (NM_001287246.2); c.2276G>A, p.Gly759Glu (NM_001287248.2); c.3358+5226G>A (NM_001287247.2); short protein forms G1134E, G759E.
Identifiers: ClinVar variation 524816 (VCV000524816.9), dbSNP rs1555424286, ClinGen allele CA393847516.

ClinVar aggregate classification (germline): Uncertain significance (1 of 4 stars; one submission).

Conditions:
Bloom syndrome (BLM). Also called: Bloom-Torre-Machacek syndrome. Identifiers: Orphanet 125, MedGen C0005859, MONDO:0008876, OMIM 210900.

Submission:

Labcorp Genetics (formerly Invitae), Labcorp
Classification: Uncertain significance for Bloom syndrome. Last evaluated: 2024-03-01. Review status: criteria provided, single submitter. Criteria: Invitae Variant Classification Sherloc (09022015). Collection method: clinical testing. Allele origin: germline.
Comment: This sequence change replaces glycine, which is neutral and non-polar, with glutamic acid, which is acidic and polar, at codon 1134 of the BLM protein (p.Gly1134Glu). This variant is not present in population databases (gnomAD no frequency). This variant has not been reported in the literature in individuals affected with BLM-related conditions. ClinVar contains an entry for this variant (Variation ID: 524816). Advanced modeling of protein sequence and biophysical properties (such as structural, functional, and spatial information, amino acid conservation, physicochemical variation, residue mobility, and thermodynamic stability) performed at Invitae indicates that this missense variant is expected to disrupt BLM protein function with a positive predictive value of 80%. In summary, the available evidence is currently insufficient to determine the role of this variant in disease. Therefore, it has been classified as a Variant of Uncertain Significance.